The following is an entry in ClinVar:

NM_000548.5(TSC2):c.3611-7_3611-6delinsCA

Gene: TSC2 (TSC complex subunit 2; plus strand). Cytogenetic location: 16p13.3.
Variant type: Indel.
Coding change: c.3611-7_3611-6delinsCA on transcript NM_000548.5 (MANE Select); 7 bases into the intron before coding-DNA position 3611 through 6 bases into the intron before coding-DNA position 3611, TC replaced by CA.
Molecular consequence: intron variant.
Genome position (GRCh38, 1-based): chr16:2,081,588-2,081,589, TC replaced by CA. VCF-style: chr16-2081588-TC-CA. GRCh37 (hg19) VCF-style: chr16-2131589-TC-CA.
Other names: c.2138-7_2138-6delinsCA (NM_001406693.1, NM_001406690.1, NM_001406692.1 and 1 more transcripts); c.3572-7_3572-6delinsCA (NM_001406667.1); c.3569-7_3569-6delinsCA (NM_001406668.1); c.3011-7_3011-6delinsCA (NM_001406680.1, NM_001406683.1, NM_001406682.1); c.2879-7_2879-6delinsCA (NM_001406687.1, NM_001318831.2, NM_001406688.1); c.2267-7_2267-6delinsCA (NM_001406689.1); c.2135-7_2135-6delinsCA (NM_001406691.1, NM_001406697.1, NM_001406695.1 and 1 more transcripts); c.1877-7_1877-6delinsCA (NM_001406698.1); and 18 more.
Identifiers: ClinVar variation 3614912 (VCV003614912.2).

ClinVar aggregate classification (germline): Uncertain significance (1 of 4 stars; one submission).

Conditions:
Tuberous sclerosis 2 (TSC2). Identifiers: Orphanet 805, MedGen C1860707, MONDO:0013199, OMIM 613254.

Submission:

Labcorp Genetics (formerly Invitae), Labcorp
Classification: Uncertain significance for Tuberous sclerosis 2. Last evaluated: 2024-04-14. Review status: criteria provided, single submitter. Criteria: Invitae Variant Classification Sherloc (09022015). Collection method: clinical testing. Allele origin: germline.
Comment: This sequence change falls in intron 30 of the TSC2 gene. It does not directly change the encoded amino acid sequence of the TSC2 protein. Information on the frequency of this variant in the gnomAD database is not available, as this variant may be reported differently in the database. This variant has not been reported in the literature in individuals affected with TSC2-related conditions. Experimental studies and prediction algorithms are not available or were not evaluated, and the effect of this variant on mRNA splicing is currently unknown. In summary, the available evidence is currently insufficient to determine the role of this variant in disease. Therefore, it has been classified as a Variant of Uncertain Significance.